The following is an entry in ClinVar:

ClinVar aggregate classification (germline): Benign/Likely benign. Review status: criteria provided, multiple submitters, no conflicts (2 of 4 stars). 3 submissions from 3 submitters: Benign (2); Likely benign (1). Last evaluated 2026-01-23.

Conditions:
Orthostatic hypotension 1 (ORTHYP1). Also called: Dopamine beta-hydroxylase deficiency; Orthostatic hypotension 1, due to DBH deficiency; NORADRENALINE DEFICIENCY; NOREPINEPHRINE DEFICIENCY. Identifiers: Orphanet 230, MedGen C4746777, MONDO:0009123, OMIM 223360.

Allele frequency attached by ClinVar (database versions not stated): gnomAD exomes 0.00041 and 0.00127; ExAC 0.00140; ESP Exome Variant Server 0.00423; gnomAD 0.00432 and 0.00461; 1000 Genomes Project 0.00439; TOPMed 0.00520; 1000 Genomes Project 30x 0.00562.
gnomAD v4.1: 1,293 of 1,613,678 alleles (0.08%); highest among the groups gnomAD compares: African/African-American, 1.4%; 9 homozygotes.

Submissions (3):

Labcorp Genetics (formerly Invitae), Labcorp
Classification: Benign for Orthostatic hypotension 1. Last evaluated: 2026-01-23. Review status: criteria provided, single submitter. Criteria: Invitae Variant Classification Sherloc (09022015). Collection method: clinical testing. Allele origin: germline.

Blueprint Genetics
Classification: Likely benign. Last evaluated: 2024-11-06. Review status: criteria provided, single submitter. Criteria: ACMG Guidelines, 2015. Collection method: clinical testing. Allele origin: germline.

Illumina Laboratory Services, Illumina
Classification: Benign for Orthostatic hypotension 1. Last evaluated: 2018-01-13. Review status: criteria provided, single submitter. Criteria: ICSL Variant Classification Criteria 13 December 2019. Collection method: clinical testing. Allele origin: germline.
Comment: This variant was observed in the ICSL laboratory as part of a predisposition screen in an ostensibly healthy population. It had not been previously curated by ICSL or reported in the Human Gene Mutation Database (HGMD: prior to June 1st, 2018), and was therefore a candidate for classification through an automated scoring system. Utilizing variant allele frequency, disease prevalence and penetrance estimates, and inheritance mode, an automated score was calculated to assess if this variant is too frequent to cause the disease. Based on the score and internal cut-off values, a variant classified as benign is not then subjected to further curation. The score for this variant resulted in a classification of benign for this disease.

NM_000787.4(DBH):c.1722+4C>T

Genes: DBH (dopamine beta-hydroxylase; plus strand), DBH-AS1 (DBH antisense RNA 1; minus strand). Cytogenetic location: 9q34.2.
Variant type: single nucleotide variant.
Coding change: c.1722+4C>T on transcript NM_000787.4 (MANE Select); 4 bases into the intron after coding-DNA position 1722, C replaced by T.
Molecular consequence: intron variant. On other transcripts: non-coding transcript variant (1).
Genome position (GRCh38, 1-based): chr9:133,657,233, C>T. VCF-style: chr9-133657233-C-T. GRCh37 (hg19) VCF-style: chr9-136522355-C-T.
Identifiers: ClinVar variation 365672 (VCV000365672.16), dbSNP rs45532436, ClinGen allele CA5313658.